The following is an entry in ClinVar:

NM_000399.5(EGR2):c.1408T>G (p.Ser470Ala)

Gene: EGR2 (early growth response 2; minus strand). Cytogenetic location: 10q21.3.
Variant type: single nucleotide variant.
Coding change: c.1408T>G on transcript NM_000399.5 (MANE Select); coding-DNA position 1408, T replaced by G.
Protein change: p.Ser470Ala; replaces serine 470 with alanine.
Molecular consequence: missense variant.
Genome position (GRCh38, 1-based): chr10:62,813,230, A>C on the plus strand (T>G on the coding strand, the complement: EGR2 is on the minus strand). VCF-style: chr10-62813230-A-C. GRCh37 (hg19) VCF-style: chr10-64572990-A-C.
Other names: c.1408T>G, p.Ser470Ala (NM_001136177.3, NM_001136178.2); c.1258T>G, p.Ser420Ala (NM_001136179.3, NM_001321037.2); c.1447T>G, p.Ser483Ala (NM_001410931.1); short protein forms S420A, S483A, S470A.
Identifiers: ClinVar variation 2782450 (VCV002782450.3), dbSNP rs2492291589, ClinGen allele CA377026878.

ClinVar aggregate classification (germline): Uncertain significance (1 of 4 stars; one submission).

Conditions:
Charcot-Marie-Tooth disease, type I (CMT1). Also called: Charcot-Marie-Tooth disease type 1; Charcot-Marie-Tooth, Type 1. Identifiers: Orphanet 65753, MedGen C0751036, MONDO:0019011.

Submission:

Labcorp Genetics (formerly Invitae), Labcorp
Classification: Uncertain significance for Charcot-Marie-Tooth disease, type I. Last evaluated: 2023-10-13. Review status: criteria provided, single submitter. Criteria: Invitae Variant Classification Sherloc (09022015). Collection method: clinical testing. Allele origin: germline.
Comment: This sequence change replaces serine, which is neutral and polar, with alanine, which is neutral and non-polar, at codon 470 of the EGR2 protein (p.Ser470Ala). This variant is not present in population databases (gnomAD no frequency). This variant has not been reported in the literature in individuals affected with EGR2-related conditions. Advanced modeling of protein sequence and biophysical properties (such as structural, functional, and spatial information, amino acid conservation, physicochemical variation, residue mobility, and thermodynamic stability) has been performed at Invitae for this missense variant, however the output from this modeling did not meet the statistical confidence thresholds required to predict the impact of this variant on EGR2 protein function. In summary, the available evidence is currently insufficient to determine the role of this variant in disease. Therefore, it has been classified as a Variant of Uncertain Significance.